The following is an entry in ClinVar:

ClinVar aggregate classification (germline): Uncertain significance (1 of 4 stars; one submission).

Conditions:
Bardet-Biedl syndrome (BBS). Identifiers: Orphanet 110, MedGen C0752166, MONDO:0015229.

Submission:

Labcorp Genetics (formerly Invitae), Labcorp
Classification: Uncertain significance for Bardet-Biedl syndrome. Last evaluated: 2022-09-13. Review status: criteria provided, single submitter. Criteria: Invitae Variant Classification Sherloc (09022015). Collection method: clinical testing. Allele origin: germline.
Comment: This sequence change replaces serine, which is neutral and polar, with isoleucine, which is neutral and non-polar, at codon 439 of the BBS2 protein (p.Ser439Ile). This variant is not present in population databases (gnomAD no frequency). This variant has not been reported in the literature in individuals affected with BBS2-related conditions. Advanced modeling of protein sequence and biophysical properties (such as structural, functional, and spatial information, amino acid conservation, physicochemical variation, residue mobility, and thermodynamic stability) performed at Invitae indicates that this missense variant is expected to disrupt BBS2 protein function. In summary, the available evidence is currently insufficient to determine the role of this variant in disease. Therefore, it has been classified as a Variant of Uncertain Significance.

NM_031885.5(BBS2):c.1316G>T (p.Ser439Ile)

Gene: BBS2 (Bardet-Biedl syndrome 2; minus strand). Cytogenetic location: 16q13.
Variant type: single nucleotide variant.
Coding change: c.1316G>T on transcript NM_031885.5 (MANE Select); coding-DNA position 1316, G replaced by T.
Protein change: p.Ser439Ile; replaces serine 439 with isoleucine.
Molecular consequence: missense variant. On other transcripts: non-coding transcript variant (2).
Genome position (GRCh38, 1-based): chr16:56,500,935, C>A on the plus strand (G>T on the coding strand, the complement: BBS2 is on the minus strand). VCF-style: chr16-56500935-C-A. GRCh37 (hg19) VCF-style: chr16-56534847-C-A.
Other names: c.1316G>T, p.Ser439Ile (NM_001377456.1); short protein forms S439I.
Identifiers: ClinVar variation 2178556 (VCV002178556.1), dbSNP rs1964252143, ClinGen allele CA395979535.